The following is an entry in ClinVar:

ClinVar aggregate classification (germline): Benign (1 of 4 stars; one submission).

Allele frequency attached by ClinVar (database versions not stated): 1000 Genomes Project 0.29513; 1000 Genomes Project 30x 0.30809; gnomAD 0.32574 and 0.33751; TOPMed 0.34511.
gnomAD v4.1: 49,410 of 152,044 alleles (32%); highest among the groups gnomAD compares: African/African-American, 56%; 9,828 homozygotes.

Submission:

GeneDx
Classification: Benign. Last evaluated: 2018-06-18. Review status: criteria provided, single submitter. Criteria: GeneDx Variant Classification (06012015). Collection method: clinical testing. Allele origin: germline. Affected: yes.
Comment: This variant is considered likely benign or benign based on one or more of the following criteria: it is a conservative change, it occurs at a poorly conserved position in the protein, it is predicted to be benign by multiple in silico algorithms, and/or has population frequency not consistent with disease.

NM_001378454.1(ALMS1):c.9540-259T>C

Gene: ALMS1 (ALMS1 centrosome and basal body associated protein; plus strand). Cytogenetic location: 2p13.1.
Variant type: single nucleotide variant.
Coding change: c.9540-259T>C on transcript NM_001378454.1 (MANE Select); 259 bases into the intron before coding-DNA position 9540, T replaced by C.
Molecular consequence: intron variant.
Genome position (GRCh38, 1-based): chr2:73,519,516, T>C. VCF-style: chr2-73519516-T-C. GRCh37 (hg19) VCF-style: chr2-73746643-T-C.
Other names: c.9540-259T>C (NM_015120.4); c.9543-259T>C (NM_015120.4).
Identifiers: ClinVar variation 683047 (VCV000683047.1), dbSNP rs6711033, ClinGen allele CA50397426.